The following is an entry in ClinVar:

ClinVar aggregate classification (germline): Uncertain significance (1 of 4 stars; one submission).

Submission:

Ambry Genetics
Classification: Uncertain significance. Last evaluated: 2025-12-20. Review status: criteria provided, single submitter. Criteria: Ambry Variant Classification Scheme 2023. Collection method: clinical testing. Allele origin: germline.
Comment: The p.I790L variant (also known as c.2368A>C), located in coding exon 1 of the MLH3 gene, results from an A to C substitution at nucleotide position 2368. The isoleucine at codon 790 is replaced by leucine, an amino acid with highly similar properties. This amino acid position is conserved. In addition, this alteration is predicted to be tolerated by in silico analysis. Based on the available evidence, the clinical significance of this variant remains unclear.

NM_001040108.2(MLH3):c.2368A>C (p.Ile790Leu)

Gene: MLH3 (mutL homolog 3; minus strand). Cytogenetic location: 14q24.3.
Variant type: single nucleotide variant.
Coding change: c.2368A>C on transcript NM_001040108.2 (MANE Select); coding-DNA position 2368, A replaced by C.
Protein change: p.Ile790Leu; replaces isoleucine 790 with leucine.
Molecular consequence: missense variant.
Genome position (GRCh38, 1-based): chr14:75,047,288, T>G on the plus strand (A>C on the coding strand, the complement: MLH3 is on the minus strand). VCF-style: chr14-75047288-T-G. GRCh37 (hg19) VCF-style: chr14-75513991-T-G.
Other names: c.2368A>C, p.Ile790Leu (NM_014381.3); short protein forms I790L.
Identifiers: ClinVar variation 4841828 (VCV004841828.1).